The following is an entry in ClinVar:

ClinVar aggregate classification (germline): Likely benign. Review status: criteria provided, single submitter (1 of 4 stars). 2 submissions from 2 submitters: Likely benign (1). 1 of the submissions does not count toward it. Last evaluated 2024-12-16.

Conditions:
CAST-related disorder. Also called: CAST-related condition.

Allele frequency attached by ClinVar (database versions not stated): ESP Exome Variant Server 0.00008; 1000 Genomes Project 30x 0.00016; 1000 Genomes Project 0.00020; gnomAD 0.00022; TOPMed 0.00024; ExAC 0.00026; gnomAD exomes 0.00026 and 0.00033.
gnomAD v4.1: 414 of 1,600,262 alleles (0.026%); highest among the groups gnomAD compares: Admixed American, 0.08%; 1 homozygote.

Submissions (2):

Labcorp Genetics (formerly Invitae), Labcorp
Classification: Likely benign. Last evaluated: 2024-12-16. Review status: criteria provided, single submitter. Criteria: Invitae Variant Classification Sherloc (09022015). Collection method: clinical testing. Allele origin: germline.

PreventionGenetics, part of Exact Sciences
Classification: Likely benign for CAST-related condition. Last evaluated: 2019-08-22. Review status: no assertion criteria provided. Collection method: clinical testing. Allele origin: germline. Not counted in ClinVar's aggregate classification.
Comment: This variant is classified as likely benign based on ACMG/AMP sequence variant interpretation guidelines (Richards et al. 2015 PMID: 25741868, with internal and published modifications).

NM_001750.7(CAST):c.477C>T (p.Asn159=)

Gene: CAST (calpastatin; plus strand). Cytogenetic location: 5q15.
Variant type: single nucleotide variant.
Coding change: c.477C>T on transcript NM_001750.7 (MANE Select); coding-DNA position 477, C replaced by T.
Protein change: p.Asn159=; no amino-acid change (asparagine 159 retained).
Molecular consequence: synonymous variant.
Genome position (GRCh38, 1-based): chr5:96,729,653, C>T. VCF-style: chr5-96729653-C-T. GRCh37 (hg19) VCF-style: chr5-96065357-C-T.
Other names: c.354C>T, p.Asn118= (NM_001042440.5, NM_001330627.2); c.420C>T, p.Asn140= (NM_001042441.3, NM_001330626.2); c.411C>T, p.Asn137= (NM_001042442.3); c.228C>T, p.Asn76= (NM_001042443.3, NM_001190442.2, NM_001330631.2); c.105C>T, p.Asn35= (NM_001042444.3, NM_001042446.3, NM_001284212.4 and 1 more transcripts); c.162C>T, p.Asn54= (NM_001042445.3, NM_001284213.4, NM_001330632.2 and 1 more transcripts); c.309C>T, p.Asn103= (NM_001330628.2); c.432C>T, p.Asn144= (NM_001330629.2); and 2 more.
Identifiers: ClinVar variation 752240 (VCV000752240.10), dbSNP rs139431689, ClinGen allele CA3350855.